The following is an entry in ClinVar:

ClinVar aggregate classification (germline): Uncertain significance (1 of 4 stars; one submission).

Conditions:
Hemolytic uremic syndrome, atypical, susceptibility to, 1. Also called: AHUS, SUSCEPTIBILITY TO, 1. Identifiers: Orphanet 2134, Orphanet 90038, MedGen C2749604, MONDO:0009335, OMIM 235400. Disease mechanism: Other.

Submission:

3billion
Classification: Uncertain significance for Hemolytic uremic syndrome, atypical, susceptibility to, 1. Last evaluated: 2022-05-22. Review status: criteria provided, single submitter. Criteria: ACMG Guidelines, 2015. Collection method: clinical testing. Allele origin: germline. Affected: yes. Observed: 1 heterozygote.
Comment: The variant is not observed in the gnomAD v2.1.1 dataset. In silico tool predictions suggest damaging effect of the variant on gene or gene product (REVEL: 0.42; 3Cnet: 0.91). Therefore, this variant is classified as uncertain significanceaccording to the recommendation of ACMG/AMP guideline.

NM_000186.4(CFH):c.3449T>G (p.Ile1150Arg)

Gene: CFH (complement factor H; plus strand). Cytogenetic location: 1q31.3.
Variant type: single nucleotide variant.
Coding change: c.3449T>G on transcript NM_000186.4 (MANE Select); coding-DNA position 3449, T replaced by G.
Protein change: p.Ile1150Arg; replaces isoleucine 1150 with arginine.
Molecular consequence: missense variant.
Genome position (GRCh38, 1-based): chr1:196,745,955, T>G. VCF-style: chr1-196745955-T-G. GRCh37 (hg19) VCF-style: chr1-196715085-T-G.
Other names: short protein forms I1150R.
Identifiers: ClinVar variation 1687284 (VCV001687284.1), dbSNP rs2149118066, ClinGen allele CA343986077.